The following is an entry in ClinVar:

NM_002246.3(KCNK3):c.40T>G (p.Cys14Gly)

Gene: KCNK3 (potassium two pore domain channel subfamily K member 3; plus strand). Cytogenetic location: 2p23.3.
Variant type: single nucleotide variant.
Coding change: c.40T>G on transcript NM_002246.3 (MANE Select); coding-DNA position 40, T replaced by G.
Protein change: p.Cys14Gly; replaces cysteine 14 with glycine.
Molecular consequence: missense variant.
Genome position (GRCh38, 1-based): chr2:26,692,915, T>G. VCF-style: chr2-26692915-T-G. GRCh37 (hg19) VCF-style: chr2-26915783-T-G.
Other names: short protein forms C14G.
Identifiers: ClinVar variation 2859865 (VCV002859865.3), dbSNP rs779891608, ClinGen allele CA1565426.

ClinVar aggregate classification (germline): Uncertain significance (1 of 4 stars; one submission).

Conditions:
Pulmonary hypertension, primary, 4. Identifiers: Orphanet 422, MedGen C3809198, MONDO:0014136, OMIM 615344.

Allele frequency attached by ClinVar (database versions not stated): gnomAD exomes below 0.00001; gnomAD 0.00008; TOPMed 0.00006.
gnomAD v4.1: 15 of 1,521,744 alleles (0.00099%); highest among the groups gnomAD compares: African/African-American, 0.021%; no homozygotes.

Submission:

Labcorp Genetics (formerly Invitae), Labcorp
Classification: Uncertain significance for Pulmonary hypertension, primary, 4. Last evaluated: 2025-11-10. Review status: criteria provided, single submitter. Criteria: Invitae Variant Classification Sherloc (09022015). Collection method: clinical testing. Allele origin: germline.
Comment: This sequence change replaces cysteine, which is neutral and slightly polar, with glycine, which is neutral and non-polar, at codon 14 of the KCNK3 protein (p.Cys14Gly). This variant is present in population databases (rs779891608, gnomAD 0.02%). This variant has not been reported in the literature in individuals affected with KCNK3-related conditions. ClinVar contains an entry for this variant (Variation ID: 2859865). Invitae Evidence Modeling of protein sequence and biophysical properties (such as structural, functional, and spatial information, amino acid conservation, physicochemical variation, residue mobility, and thermodynamic stability) indicates that this missense variant is not expected to disrupt KCNK3 protein function with a negative predictive value of 80%. In summary, the available evidence is currently insufficient to determine the role of this variant in disease. Therefore, it has been classified as a Variant of Uncertain Significance.